The following is an entry in ClinVar:

NM_001378454.1(ALMS1):c.9782-9C>T

Gene: ALMS1 (ALMS1 centrosome and basal body associated protein; plus strand). Cytogenetic location: 2p13.1.
Variant type: single nucleotide variant.
Coding change: c.9782-9C>T on transcript NM_001378454.1 (MANE Select); 9 bases into the intron before coding-DNA position 9782, C replaced by T.
Molecular consequence: intron variant.
Genome position (GRCh38, 1-based): chr2:73,534,815, C>T. VCF-style: chr2-73534815-C-T. GRCh37 (hg19) VCF-style: chr2-73761942-C-T.
Other names: c.9782-9C>T (NM_015120.4); c.9785-9C>T (NM_015120.4).
Identifiers: ClinVar variation 387349 (VCV000387349.19), dbSNP rs10199680, ClinGen allele CA1714782.
Genomic context (GRCh38, chr2:73,534,815, plus strand): 5'-CATTCCATATTTGTTCAATGAATTAACAAATGTTTTTCATATTAATTGTTCTGATTTTTA[C>T]CTCCTTAGGCCAGCCTTTATTATTGCCATATAAGCCTTCTGGTAGTACCAAGATGTATTA-3'

ClinVar aggregate classification (germline): Benign. Review status: criteria provided, multiple submitters, no conflicts (2 of 4 stars). 7 submissions from 7 submitters: Benign (6). 1 of the submissions does not count toward it. Last evaluated 2026-02-04.

Conditions:
Alstrom syndrome (ALMS). Identifiers: Orphanet 64, MedGen C0268425, MONDO:0008763, OMIM 203800.

Allele frequency attached by ClinVar (database versions not stated): gnomAD exomes 0.00336 and 0.00869; ExAC 0.01057; gnomAD 0.03413 and 0.03656; ESP Exome Variant Server 0.03497; 1000 Genomes Project 0.03794; TOPMed 0.03851; 1000 Genomes Project 30x 0.04013.
gnomAD v4.1: 10,296 of 1,612,400 alleles (0.64%); highest among the groups gnomAD compares: African/African-American, 12%; 556 homozygotes.

Submissions (7):

Labcorp Genetics (formerly Invitae), Labcorp
Classification: Benign for Alstrom syndrome. Last evaluated: 2026-02-04. Review status: criteria provided, single submitter. Criteria: Invitae Variant Classification Sherloc (09022015). Collection method: clinical testing. Allele origin: germline.

Blueprint Genetics
Classification: Benign. Last evaluated: 2024-11-26. Review status: criteria provided, single submitter. Criteria: ACMG Guidelines, 2015. Collection method: clinical testing. Allele origin: germline.

Athena Diagnostics
Classification: Benign. Last evaluated: 2018-05-23. Review status: criteria provided, single submitter. Criteria: Athena Diagnostics Criteria. Collection method: clinical testing. Allele origin: germline.

GeneDx
Classification: Benign. Last evaluated: 2016-10-10. Review status: criteria provided, single submitter. Criteria: GeneDx Variant Classification (06012015). Collection method: clinical testing. Allele origin: germline. Affected: yes.
Comment: This variant is considered likely benign or benign based on one or more of the following criteria: it is a conservative change, it occurs at a poorly conserved position in the protein, it is predicted to be benign by multiple in silico algorithms, and/or has population frequency not consistent with disease.

Laboratory for Molecular Medicine, Mass General Brigham Personalized Medicine
Classification: Benign. Last evaluated: 2016-03-21. Review status: criteria provided, single submitter. Criteria: LMM Criteria. Collection method: clinical testing. Allele origin: germline. Observed: 1 variant allele.
Comment: c.9779-9C>T in intron 11 of ALMS1: This variant is not expected to have clinical significance because a C>T change at this position does not diverge from the sp lice consensus sequence and is therefore unlikely to impact splicing. It has bee n identified in 12.00% (1176/9796) of African chromosomes by the Exome Aggregati on Consortium (ExAC; dbSNP rs10199680).

Breakthrough Genomics
Classification: Benign. Review status: criteria provided, single submitter. Criteria: ACMG Guidelines, 2015. Collection method: not provided. Allele origin: germline. Inheritance: Autosomal recessive inheritance. Affected: yes.

Natera, Inc.
Classification: Benign for Alstrom syndrome. Last evaluated: 2020-09-16. Review status: no assertion criteria provided. Collection method: clinical testing. Allele origin: germline. Not counted in ClinVar's aggregate classification.